The following is an entry in ClinVar:

ClinVar aggregate classification (germline): Benign/Likely benign. Review status: criteria provided, multiple submitters, no conflicts (2 of 4 stars). 3 submissions from 3 submitters: Benign (1); Likely benign (1). 1 of the submissions does not count toward it. Last evaluated 2026-04-01.

Conditions:
EP300-related disorder. Also called: EP300-related disorders; EP300-related condition.
Rubinstein-Taybi syndrome due to EP300 haploinsufficiency. Also called: EP300-Related Rubinstein-Taybi Syndrome; RUBINSTEIN-TAYBI SYNDROME 2. Identifiers: Orphanet 353284, Orphanet 783, MedGen C3150941, MONDO:0013364, OMIM 613684.

Allele frequency attached by ClinVar (database versions not stated): gnomAD 0.00007; TOPMed 0.00007; ESP Exome Variant Server 0.00008; ExAC 0.00009; gnomAD exomes 0.00019.

Submissions (3):

CeGaT Center for Human Genetics Tuebingen
Classification: Likely benign. Last evaluated: 2026-04-01. Review status: criteria provided, single submitter. Criteria: CeGaT Center For Human Genetics Tuebingen Variant Classification Criteria Version 2. Collection method: clinical testing. Allele origin: germline. Affected: yes. Observed: 2 variant alleles.
Comment: EP300: BS1

Labcorp Genetics (formerly Invitae), Labcorp
Classification: Benign for Rubinstein-Taybi syndrome due to EP300 haploinsufficiency. Last evaluated: 2025-11-28. Review status: criteria provided, single submitter. Criteria: Invitae Variant Classification Sherloc (09022015). Collection method: clinical testing. Allele origin: germline.

PreventionGenetics, part of Exact Sciences
Classification: Likely benign for EP300-related condition. Last evaluated: 2024-04-11. Review status: no assertion criteria provided. Collection method: clinical testing. Allele origin: germline. Not counted in ClinVar's aggregate classification.
Comment: This variant is classified as likely benign based on ACMG/AMP sequence variant interpretation guidelines (Richards et al. 2015 PMID: 25741868, with internal and published modifications).

NM_001429.4(EP300):c.5784G>C (p.Met1928Ile)

Gene: EP300 (EP300 lysine acetyltransferase; plus strand). Cytogenetic location: 22q13.2.
Variant type: single nucleotide variant.
Coding change: c.5784G>C on transcript NM_001429.4 (MANE Select); coding-DNA position 5784, G replaced by C.
Protein change: p.Met1928Ile; replaces methionine 1928 with isoleucine.
Molecular consequence: missense variant.
Genome position (GRCh38, 1-based): chr22:41,177,495, G>C. VCF-style: chr22-41177495-G-C. GRCh37 (hg19) VCF-style: chr22-41573499-G-C.
Other names: c.5706G>C, p.Met1902Ile (NM_001362843.2); c.5784G>C (NM_001429.3); short protein forms M1928I, M1902I.
Identifiers: ClinVar variation 1965902 (VCV001965902.17), dbSNP rs376626285, ClinGen allele CA10253708.
Genomic context (GRCh38, chr22:41,177,495, plus strand): 5'-AACCCCTCCTCAGACTGCTCAGCCACCCCTTCCAGGGCCCCCACCTGCAGCAGTGGAAAT[G>C]GCAATGCAGATTCAGAGAGCAGCGGAGACGCAGCGCCAGATGGCCCACGTGCAAATTTTT-3'
Protein context (NP_001420.2, residues 1918-1938): LPGPPPAAVE[Met1928Ile]AMQIQRAAET